The following is an entry in ClinVar:

ClinVar aggregate classification (germline): Pathogenic (1 of 4 stars; one submission).

Conditions:
Cardiovascular phenotype. Identifiers: MedGen CN230736.

Submission:

Ambry Genetics
Classification: Pathogenic for Cardiovascular phenotype. Last evaluated: 2022-04-20. Review status: criteria provided, single submitter. Criteria: Ambry Variant Classification Scheme 2023. Collection method: clinical testing. Allele origin: germline.
Comment: The p.Y903* pathogenic mutation (also known as c.2709C>G), located in coding exon 12 of the MYPN gene, results from a C to G substitution at nucleotide position 2709. This changes the amino acid from a tyrosine to a stop codon within coding exon 12. This variant is considered to be rare based on population cohorts in the Genome Aggregation Database (gnomAD). This alteration is expected to result in loss of function by premature protein truncation or nonsense-mediated mRNA decay. As such, this alteration is interpreted as a disease-causing mutation.

NM_032578.4(MYPN):c.2709C>G (p.Tyr903Ter)

Gene: MYPN (myopalladin; plus strand). Cytogenetic location: 10q21.3.
Variant type: single nucleotide variant.
Coding change: c.2709C>G on transcript NM_032578.4 (MANE Select); coding-DNA position 2709, C replaced by G.
Protein change: p.Tyr903Ter; replaces tyrosine 903 with a stop codon.
Molecular consequence: nonsense. On other transcripts: non-coding transcript variant (2).
Genome position (GRCh38, 1-based): chr10:68,188,910, C>G. VCF-style: chr10-68188910-C-G. GRCh37 (hg19) VCF-style: chr10-69948667-C-G.
Other names: c.2709C>G, p.Tyr903Ter (NM_001256267.2); c.1827C>G, p.Tyr609Ter (NM_001256268.2); short protein forms Y903*, Y609*.
Identifiers: ClinVar variation 1795014 (VCV001795014.2), dbSNP rs772657844, ClinGen allele CA376853145.